The following is an entry in ClinVar:

ClinVar aggregate classification (germline): Pathogenic (1 of 4 stars; one submission).

Submission:

GeneDx
Classification: Pathogenic. Last evaluated: 2017-11-21. Review status: criteria provided, single submitter. Criteria: GeneDx Variant Classification (06012015). Collection method: clinical testing. Allele origin: germline. Affected: yes.
Comment: The c.143dupT variant in the DYRK1A gene has not been reported previously as a pathogenic variant nor as a benign variant, to our knowledge. The c.143dupT variant causes a frameshift starting with codon Serine 49, changes this amino acid to a Lysine residue, and creates a premature Stop codon at position 2 of the new reading frame, denoted p.Ser49LysfsX2. This variant is predicted to cause lossof normal protein function either through protein truncation or nonsense-mediated mRNA decay. The c.143dupT variant is not observed in large population cohorts (Lek et al., 2016). We interpret c.143dupT as a pathogenic variant.

NM_001347721.2(DYRK1A):c.143dup (p.Ser49fs)

Gene: DYRK1A (dual specificity tyrosine phosphorylation regulated kinase 1A; plus strand). Cytogenetic location: 21q22.13.
Variant type: Duplication.
Coding change: c.143dup on transcript NM_001347721.2 (MANE Select); coding-DNA position 143, one base duplicated (T; older notation c.143dupT).
Protein change: p.Ser49fs; shifts the reading frame from serine 49.
Molecular consequence: frameshift variant.
Genome position (GRCh38, 1-based): chr21:37,472,816, T duplicated. VCF-style (leftmost placement, unchanged base first): chr21-37472815-A-AT. GRCh37 (hg19) VCF-style: chr21-38845117-A-AT.
Other names: c.143dupT (NM_001396.3); c.143dup, p.Ser49fs (NM_001347722.2, NM_001396.5, NM_101395.2 and 2 more transcripts); c.56dup, p.Ser20fs (NM_001347723.2); short protein forms S49fs, S20fs.
Identifiers: ClinVar variation 503817 (VCV000503817.2), dbSNP rs1555977071, ClinGen allele CA658799429.
Genomic context (GRCh38, chr21:37,472,815, plus strand): 5'-CTTCAGATGGCTGGACAGATGCCCCATTCACATCAGTACAGTGACCGTCGCCAGCCAAAC[A>AT]TAAGTGACCAACAGGTTTCTGCCTTATCATATTCTGACCAGATTCAGCAACCTCTAACTA-3'